The following is an entry in ClinVar:

NM_014795.4(ZEB2):c.904del (p.Arg302fs)

Gene: ZEB2 (zinc finger E-box binding homeobox 2; minus strand). Cytogenetic location: 2q22.3.
Variant type: Deletion.
Coding change: c.904del on transcript NM_014795.4 (MANE Select); coding-DNA position 904, one base deleted (C; older notation c.904delC).
Protein change: p.Arg302fs; shifts the reading frame from arginine 302.
Molecular consequence: frameshift variant.
Genome position (GRCh38, 1-based): chr2:144,401,211, G deleted on the plus strand (C on the coding strand, the reverse complement: ZEB2 is on the minus strand). VCF-style (leftmost placement, unchanged base first): chr2-144401210-CG-C. GRCh37 (hg19) VCF-style: chr2-145158777-CG-C.
Other names: c.832del, p.Arg278fs (NM_001171653.2); short protein forms R278fs, R302fs.
Identifiers: ClinVar variation 1992439 (VCV001992439.4), dbSNP rs2549107849, ClinGen allele CA2580063886.

ClinVar aggregate classification (germline): Pathogenic (1 of 4 stars; one submission).

Conditions:
Mowat-Wilson syndrome (MOWS). Also called: Classic Mowat-Wilson Syndrome. Identifiers: Orphanet 2152, MedGen C1856113, MONDO:0009341, OMIM 235730.

Submission:

Labcorp Genetics (formerly Invitae), Labcorp
Classification: Pathogenic for Mowat-Wilson syndrome. Last evaluated: 2022-02-10. Review status: criteria provided, single submitter. Criteria: Invitae Variant Classification Sherloc (09022015). Collection method: clinical testing. Allele origin: germline.
Comment: For these reasons, this variant has been classified as Pathogenic. This variant has not been reported in the literature in individuals affected with ZEB2-related conditions. This variant is not present in population databases (gnomAD no frequency). This sequence change creates a premature translational stop signal (p.Arg302Glufs*36) in the ZEB2 gene. It is expected to result in an absent or disrupted protein product. Loss-of-function variants in ZEB2 are known to be pathogenic (PMID: 16053902).

Literature cited by the submitters: PubMed 16053902.